The following is an entry in ClinVar:

ClinVar aggregate classification (germline): Conflicting classifications of pathogenicity. Review status: criteria provided, conflicting classifications (1 of 4 stars). 6 submissions from 6 submitters: Uncertain significance (1); Likely benign (4). 1 of the submissions does not count toward it. Last evaluated 2025-12-30.

Conditions:
Walker-Warburg congenital muscular dystrophy. Also called: Muscular dystrophy-dystroglycanopathy, type A; Walker-Warburg syndrome. Identifiers: Orphanet 899, MedGen C0265221, MONDO:0000171.
Autosomal recessive limb-girdle muscular dystrophy type 2K. Also called: MUSCULAR DYSTROPHY-DYSTROGLYCANOPATHY (LIMB-GIRDLE), TYPE C, 1; MUSCULAR DYSTROPHY, LIMB-GIRDLE, TYPE 2K. Identifiers: Orphanet 86812, MedGen C1836373, MONDO:0012248, OMIM 609308.
Muscular dystrophy-dystroglycanopathy (congenital with impaired intellectual development), type B, 1. Also called: MUSCULAR DYSTROPHY, CONGENITAL, POMT1-RELATED; Muscular dystrophy-dystroglycanopathy (congenital with intellectual disability), type B1. Identifiers: MedGen C5436962, MONDO:0013159, OMIM 613155.
POMT1-related disorder. Also called: POMT1-related condition; POMT1-related disorders.

Allele frequency attached by ClinVar (database versions not stated): gnomAD exomes 0.00004 and 0.00011; ExAC 0.00013; 1000 Genomes Project 30x 0.00016; 1000 Genomes Project 0.00020; gnomAD 0.00048 and 0.00050; TOPMed 0.00049; ESP Exome Variant Server 0.00069.
gnomAD v4.1: 132 of 1,614,188 alleles (0.0082%); highest among the groups gnomAD compares: African/African-American, 0.14%; 1 homozygote.

Submissions (6):

Labcorp Genetics (formerly Invitae), Labcorp
Classification: Likely benign for Muscular dystrophy-dystroglycanopathy (congenital with impaired intellectual development), type B, 1; Walker-Warburg congenital muscular dystrophy; Autosomal recessive limb-girdle muscular dystrophy type 2K. Last evaluated: 2025-12-30. Review status: criteria provided, single submitter. Criteria: Invitae Variant Classification Sherloc (09022015). Collection method: clinical testing. Allele origin: germline.

Blueprint Genetics
Classification: Likely benign. Last evaluated: 2024-01-12. Review status: criteria provided, single submitter. Criteria: ACMG Guidelines, 2015. Collection method: clinical testing. Allele origin: germline.

GeneDx
Classification: Likely benign. Last evaluated: 2021-02-04. Review status: criteria provided, single submitter. Criteria: GeneDx Variant Classification Process June 2021. Collection method: clinical testing. Allele origin: germline. Affected: yes.

Eurofins Ntd Llc (ga)
Classification: Uncertain significance. Last evaluated: 2018-01-25. Review status: criteria provided, single submitter. Criteria: EGL Classification Definitions 2015. Collection method: clinical testing. Allele origin: germline. Observed: 5 variant alleles, 5 heterozygotes.

Laboratory for Molecular Medicine, Mass General Brigham Personalized Medicine
Classification: Likely benign. Last evaluated: 2015-04-24. Review status: criteria provided, single submitter. Criteria: LMM Criteria. Collection method: clinical testing. Allele origin: germline. Observed: 1 variant allele.
Comment: p.Asp14Asp in exon 2 of POMT1: This variant is not expected to have clinical sig nificance because it does not alter an amino acid residue and is not located wit hin the splice consensus sequence. It has been identified in 0.15% (16/10404) of African chromosomes by the Exome Aggregation Consortium (ExAC; dbSNP rs150937126).

PreventionGenetics, part of Exact Sciences
Classification: Likely benign for POMT1-related condition. Last evaluated: 2021-10-22. Review status: no assertion criteria provided. Collection method: clinical testing. Allele origin: germline. Not counted in ClinVar's aggregate classification.
Comment: This variant is classified as likely benign based on ACMG/AMP sequence variant interpretation guidelines (Richards et al. 2015 PMID: 25741868, with internal and published modifications).

NM_001077365.2(POMT1):c.42C>T (p.Asp14=)

Gene: POMT1 (protein O-mannosyltransferase 1; plus strand). Cytogenetic location: 9q34.13.
Variant type: single nucleotide variant.
Coding change: c.42C>T on transcript NM_001077365.2 (MANE Select); coding-DNA position 42, C replaced by T.
Protein change: p.Asp14=; no amino-acid change (aspartic acid 14 retained).
Molecular consequence: synonymous variant. On other transcripts: 5 prime UTR variant (4), non-coding transcript variant (4), intron variant (9).
Genome position (GRCh38, 1-based): chr9:131,504,260, C>T. VCF-style: chr9-131504260-C-T. GRCh37 (hg19) VCF-style: chr9-134379647-C-T.
Other names: c.42C>T, p.Asp14= (NM_001136113.2, NM_001353193.2, NM_001353196.2 and 2 more transcripts); c.-203C>T (NM_001353195.2); c.-430C>T (NM_001353198.2); c.-152C>T (NM_001374692.1); c.-110C>T (NM_001374695.1); c.-41+947C>T (NM_001353194.2); c.-72+947C>T (NM_001374691.1); c.-41+1187C>T (NM_001374689.1, NM_001353197.2, NM_001077366.2 and 1 more transcripts); and 2 more.
Identifiers: ClinVar variation 195272 (VCV000195272.29), dbSNP rs150937126, ClinGen allele CA241620.